The following is an entry in ClinVar:

ClinVar aggregate classification (germline): Uncertain significance (1 of 4 stars; one submission).

Allele frequency attached by ClinVar (database versions not stated): gnomAD exomes 0.00001; ExAC 0.00002.
gnomAD v4.1: 11 of 1,614,124 alleles (0.00068%); highest among the groups gnomAD compares: Non-Finnish European, 0.00085%; no homozygotes.

Submission:

Labcorp Genetics (formerly Invitae), Labcorp
Classification: Uncertain significance. Last evaluated: 2025-12-31. Review status: criteria provided, single submitter. Criteria: Invitae Variant Classification Sherloc (09022015). Collection method: clinical testing. Allele origin: germline.
Comment: This sequence change replaces lysine, which is basic and polar, with asparagine, which is neutral and polar, at codon 894 of the FLNB protein (p.Lys894Asn). This variant is present in population databases (rs758870543, gnomAD 0.003%). This variant has not been reported in the literature in individuals affected with FLNB-related conditions. ClinVar contains an entry for this variant (Variation ID: 1999678). Invitae Evidence Modeling of protein sequence and biophysical properties (such as structural, functional, and spatial information, amino acid conservation, physicochemical variation, residue mobility, and thermodynamic stability) indicates that this missense variant is not expected to disrupt FLNB protein function with a negative predictive value of 95%. In summary, the available evidence is currently insufficient to determine the role of this variant in disease. Therefore, it has been classified as a Variant of Uncertain Significance.

NM_001457.4(FLNB):c.2682G>T (p.Lys894Asn)

Gene: FLNB (filamin B; plus strand). Cytogenetic location: 3p14.3.
Variant type: single nucleotide variant.
Coding change: c.2682G>T on transcript NM_001457.4 (MANE Select); coding-DNA position 2682, G replaced by T.
Protein change: p.Lys894Asn; replaces lysine 894 with asparagine.
Molecular consequence: missense variant.
Genome position (GRCh38, 1-based): chr3:58,112,255, G>T. VCF-style: chr3-58112255-G-T. GRCh37 (hg19) VCF-style: chr3-58097982-G-T.
Other names: c.2682G>T, p.Lys894Asn (NM_001164317.2, NM_001164318.2, NM_001164319.2); short protein forms K894N.
Identifiers: ClinVar variation 1999678 (VCV001999678.4), dbSNP rs758870543, ClinGen allele CA2468201.
Genomic context (GRCh38, chr3:58,112,255, plus strand): 5'-GGCTGGGAAAGCCCCGCTCAACGTGCAGTTCAACAGCCCTCTTCCTGGCGATGCAGTGAA[G>T]GATTTGGATATCATCGATAATTATGACTACTCTCACACGGTTAAATATACACCCACCCAA-3'
Protein context (NP_001448.2, residues 884-904): FNSPLPGDAV[Lys894Asn]DLDIIDNYDY